The following is an entry in ClinVar:

ClinVar aggregate classification (germline): Likely benign (1 of 4 stars; one submission).

Allele frequency attached by ClinVar (database versions not stated): gnomAD exomes below 0.00001.
gnomAD v4.1: 1 of 1,614,204 alleles (0.000062%); highest among the groups gnomAD compares: Non-Finnish European, 0.000085%; no homozygotes.

Submission:

CeGaT Center for Human Genetics Tuebingen
Classification: Likely benign. Last evaluated: 2023-07-01. Review status: criteria provided, single submitter. Criteria: CeGaT Center For Human Genetics Tuebingen Variant Classification Criteria Version 2. Collection method: clinical testing. Allele origin: germline. Affected: yes. Observed: 1 variant allele.
Comment: RYR1: PM2:Supporting, BP4, BP7

NM_000540.3(RYR1):c.14487C>T (p.Ser4829=)

Gene: RYR1 (ryanodine receptor 1; plus strand). Cytogenetic location: 19q13.2.
Variant type: single nucleotide variant.
Coding change: c.14487C>T on transcript NM_000540.3 (MANE Select); coding-DNA position 14487, C replaced by T.
Protein change: p.Ser4829=; no amino-acid change (serine 4829 retained).
Molecular consequence: synonymous variant.
Genome position (GRCh38, 1-based): chr19:38,580,104, C>T. VCF-style: chr19-38580104-C-T. GRCh37 (hg19) VCF-style: chr19-39070744-C-T.
Other names: c.14472C>T, p.Ser4824= (NM_001042723.2).
Identifiers: ClinVar variation 2578826 (VCV002578826.25), dbSNP rs2514749308, ClinGen allele CA507356086.